The following is an entry in ClinVar:

ClinVar aggregate classification (germline): Uncertain significance (1 of 4 stars; one submission).

Conditions:
Emery-Dreifuss muscular dystrophy 5, autosomal dominant (EDMD5). Also called: EMERY-DREIFUSS MUSCULAR DYSTROPHY 5. Identifiers: Orphanet 261, MedGen C2751805, MONDO:0013072, OMIM 612999.

Submission:

Labcorp Genetics (formerly Invitae), Labcorp
Classification: Uncertain significance for Emery-Dreifuss muscular dystrophy 5, autosomal dominant. Last evaluated: 2022-09-24. Review status: criteria provided, single submitter. Criteria: Invitae Variant Classification Sherloc (09022015). Collection method: clinical testing. Allele origin: germline.
Comment: In summary, the available evidence is currently insufficient to determine the role of this variant in disease. Therefore, it has been classified as a Variant of Uncertain Significance. This sequence change replaces alanine, which is neutral and non-polar, with valine, which is neutral and non-polar, at codon 5859 of the SYNE2 protein (p.Ala5859Val). This variant is not present in population databases (gnomAD no frequency). This variant has not been reported in the literature in individuals affected with SYNE2-related conditions. Algorithms developed to predict the effect of missense changes on protein structure and function are either unavailable or do not agree on the potential impact of this missense change (SIFT: "Deleterious"; PolyPhen-2: "Possibly Damaging"; Align-GVGD: "Class C0").

NM_182914.3(SYNE2):c.17576C>T (p.Ala5859Val)

Gene: SYNE2 (spectrin repeat containing nuclear envelope protein 2; plus strand). Cytogenetic location: 14q23.2.
Variant type: single nucleotide variant.
Coding change: c.17576C>T on transcript NM_182914.3 (MANE Select); coding-DNA position 17576, C replaced by T.
Protein change: p.Ala5859Val; replaces alanine 5859 with valine.
Molecular consequence: missense variant.
Genome position (GRCh38, 1-based): chr14:64,186,443, C>T. VCF-style: chr14-64186443-C-T. GRCh37 (hg19) VCF-style: chr14-64653161-C-T.
Other names: c.17576C>T, p.Ala5859Val (NM_015180.6); short protein forms A5859V.
Identifiers: ClinVar variation 1720305 (VCV001720305.5), dbSNP rs1331067965, ClinGen allele CA389989999.